The following is an entry in ClinVar:

ClinVar aggregate classification (germline): Conflicting classifications of pathogenicity. Review status: criteria provided, conflicting classifications (1 of 4 stars). 2 submissions from 2 submitters: Uncertain significance (1); Likely benign (1). Last evaluated 2026-01-19.

Conditions:
Hypercholesterolemia, autosomal dominant, type B (FHCL2). Also called: APOB-Related Familial Hypercholesterolemia, Autosomal Dominant; Hyperlipoproteinemia Type IIb; Familial Hypercholesterolemia Type B; APOLIPOPROTEIN B-100, FAMILIAL DEFECTIVE; APOLIPOPROTEIN B-100, FAMILIAL LIGAND-DEFECTIVE; Familial hypercholesterolemia 2. Identifiers: MedGen C1704417, MONDO:0007751, OMIM 144010.
Familial hypobetalipoproteinemia 1. Also called: APOB-Related Familial Hypobetalipoproteinemia; Hypobetalipoproteinemia, normotriglyceridemic; Acanthocytosis with hypobetalipoproteinemia. Identifiers: MedGen C4551990, MONDO:0014252, OMIM 615558.

Allele frequency attached by ClinVar (database versions not stated): ExAC 0.00012; gnomAD below 0.00001 and 0.00002; TOPMed below 0.00001.
gnomAD v4.1: 98 of 1,614,058 alleles (0.0061%); highest among the groups gnomAD compares: South Asian, 0.1%; no homozygotes.

Submissions (2):

Labcorp Genetics (formerly Invitae), Labcorp
Classification: Likely benign for Familial hypobetalipoproteinemia 1; Hypercholesterolemia, autosomal dominant, type B. Last evaluated: 2026-01-19. Review status: criteria provided, single submitter. Criteria: Invitae Variant Classification Sherloc (09022015). Collection method: clinical testing. Allele origin: germline.

GeneDx
Classification: Uncertain significance. Last evaluated: 2019-06-21. Review status: criteria provided, single submitter. Criteria: GeneDx Variant Classification Process June 2021. Collection method: clinical testing. Allele origin: germline. Affected: yes.
Comment: Has not been previously published as pathogenic or benign to our knowledge; Reported in ClinVar as a variant of uncertain significance but additional evidence is not available (ClinVar Variant ID# 630349; Landrum et al., 2016); In silico analysis, which includes protein predictors and evolutionary conservation, supports that this variant does not alter protein structure/function

NM_000384.3(APOB):c.1777G>C (p.Val593Leu)

Gene: APOB (apolipoprotein B; minus strand). Cytogenetic location: 2p24.1.
Variant type: single nucleotide variant.
Coding change: c.1777G>C on transcript NM_000384.3 (MANE Select); coding-DNA position 1777, G replaced by C.
Protein change: p.Val593Leu; replaces valine 593 with leucine.
Molecular consequence: missense variant.
Genome position (GRCh38, 1-based): chr2:21,028,379, C>G on the plus strand (G>C on the coding strand, the complement: APOB is on the minus strand). VCF-style: chr2-21028379-C-G. GRCh37 (hg19) VCF-style: chr2-21251251-C-G.
Other names: short protein forms V593L.
Identifiers: ClinVar variation 630349 (VCV000630349.55), dbSNP rs781228974, ClinGen allele CA054550.